The following is an entry in ClinVar:

NM_000136.3(FANCC):c.347G>T (p.Gly116Val)

Gene: FANCC (FA complementation group C; minus strand). Cytogenetic location: 9q22.32.
Variant type: single nucleotide variant.
Coding change: c.347G>T on transcript NM_000136.3 (MANE Select); coding-DNA position 347, G replaced by T.
Protein change: p.Gly116Val; replaces glycine 116 with valine.
Molecular consequence: missense variant.
Genome position (GRCh38, 1-based): chr9:95,172,146, C>A on the plus strand (G>T on the coding strand, the complement: FANCC is on the minus strand). VCF-style: chr9-95172146-C-A. GRCh37 (hg19) VCF-style: chr9-97934428-C-A.
Other names: c.347G>T, p.Gly116Val (NM_001243743.2, NM_001243744.2); short protein forms G116V.
Identifiers: ClinVar variation 3512780 (VCV003512780.1).

ClinVar aggregate classification (germline): Uncertain significance (1 of 4 stars; one submission).

Conditions:
Hereditary cancer-predisposing syndrome. Also called: Tumor predisposition; Neoplastic Syndromes, Hereditary; Hereditary Cancer Syndrome; Hereditary neoplastic syndrome. Identifiers: Orphanet 140162, MedGen C0027672, MeSH D009386, MONDO:0015356.

Submission:

Ambry Genetics
Classification: Uncertain significance for Hereditary cancer-predisposing syndrome. Last evaluated: 2024-09-08. Review status: criteria provided, single submitter. Criteria: Ambry Variant Classification Scheme 2023. Collection method: clinical testing. Allele origin: germline.
Comment: The p.G116V variant (also known as c.347G>T), located in coding exon 4 of the FANCC gene, results from a G to T substitution at nucleotide position 347. The glycine at codon 116 is replaced by valine, an amino acid with dissimilar properties. This amino acid position is conserved. In addition, this alteration is predicted to be tolerated by in silico analysis. Based on the available evidence, the clinical significance of this variant remains unclear.